The following is an entry in ClinVar:

ClinVar aggregate classification (germline): Uncertain significance (1 of 4 stars; one submission).

Conditions:
Cardiomyopathy (CMYO). Also called: Cardiomyopathies. Identifiers: Orphanet 167848, MedGen C0878544, MONDO:0004994, HP:0001638. Inheritance: Various modes of inheritance.

Submission:

All of Us Research Program, National Institutes of Health
Classification: Uncertain significance for Cardiomyopathy. Last evaluated: 2024-07-10. Review status: criteria provided, single submitter. Criteria: ACMG Guidelines, 2015. Collection method: clinical testing. Allele origin: germline. Inheritance: Autosomal dominant inheritance. Observed: 1 variant allele, 1 heterozygote.
Comment: This missense variant replaces glutamine with leucine at codon 193 of the TNNT2 protein. Computational prediction suggests that this variant may not impact protein structure and function (internally defined REVEL score threshold <= 0.5, PMID: 27666373). To our knowledge, functional studies have not been reported for this variant. This variant has not been reported in individuals affected with TNNT2-related disorders in the literature. This variant has not been identified in the general population by the Genome Aggregation Database (gnomAD). The available evidence is insufficient to determine the role of this variant in disease conclusively. Therefore, this variant is classified as a Variant of Uncertain Significance.

This study involves interpretation of variants in research participants for the purpose of population health screening. Participant phenotype was not available at the time of variant classification. Additional details can be found in publication PMID: 35346344, PMCID: PMC8962531

NM_001276345.2(TNNT2):c.608A>T (p.Gln203Leu)

Gene: TNNT2 (troponin T2, cardiac type; minus strand). Cytogenetic location: 1q32.1.
Variant type: single nucleotide variant.
Coding change: c.608A>T on transcript NM_001276345.2 (MANE Select); coding-DNA position 608, A replaced by T.
Protein change: p.Gln203Leu; replaces glutamine 203 with leucine.
Molecular consequence: missense variant. On other transcripts: intron variant (6).
Genome position (GRCh38, 1-based): chr1:201,362,387, T>A on the plus strand (A>T on the coding strand, the complement: TNNT2 is on the minus strand). VCF-style: chr1-201362387-T-A. GRCh37 (hg19) VCF-style: chr1-201331515-T-A.
Other names: c.578A>T, p.Gln193Leu (NM_001001430.3, NM_001276347.2, NM_001406724.1); c.560A>T, p.Gln187Leu (NM_001001432.3); c.575A>T, p.Gln192Leu (NM_001406725.1); c.563A>T, p.Gln188Leu (NM_001406728.1); c.571-365A>T (NM_001406727.1, NM_001001431.3, NM_001406726.1); c.481-365A>T (NM_001276346.2); c.601-365A>T (NM_000364.4, NM_001406723.1); short protein forms Q187L, Q188L, Q192L, Q193L, Q203L.
Identifiers: ClinVar variation 3386116 (VCV003386116.1).